The following is an entry in ClinVar:

NM_001034853.2(RPGR):c.1573-2A>G

Gene: RPGR (retinitis pigmentosa GTPase regulator; minus strand). Cytogenetic location: Xp11.4.
Variant type: single nucleotide variant.
Coding change: c.1573-2A>G on transcript NM_001034853.2 (MANE Select); the canonical splice acceptor site of the intron before coding-DNA position 1573, A replaced by G.
Molecular consequence: splice acceptor variant. On other transcripts: intron variant (5).
Genome position (GRCh38, 1-based): chrX:38,288,043, T>C on the plus strand (A>G on the coding strand, the complement: RPGR is on the minus strand). VCF-style: chrX-38288043-T-C. GRCh37 (hg19) VCF-style: chrX-38147296-T-C.
Other names: c.1569+2916A>G (NM_001367249.1, NM_001367250.1); c.1570-2A>G (NM_001367245.1); c.1386+2916A>G (NM_001367251.1); c.1387-2A>G (NM_001367246.1); c.1572+2916A>G (NM_001367247.1); c.1573-2A>G (NM_000328.3); c.1602+2916A>G (NM_001367248.1).
Identifiers: ClinVar variation 98749 (VCV000098749.50), dbSNP rs62635009, ClinGen allele CA226371.

ClinVar aggregate classification (germline): Pathogenic. Review status: criteria provided, multiple submitters, no conflicts (2 of 4 stars). 6 submissions from 6 submitters: Pathogenic (3). 3 of the submissions do not count toward it. Last evaluated 2025-10-27.

Conditions:
RPGR-related disorder. Also called: RPGR-related condition.
Retinal dystrophy. Also called: Inherited retinal dystrophy. Identifiers: Orphanet 71862, MedGen C0854723, MeSH D058499, MONDO:0019118, HP:0000556.
Primary ciliary dyskinesia. Also called: Ciliary dyskinesia. Identifiers: Orphanet 244, MedGen C0008780, MONDO:0016575, HP:0012265.
X-linked cone-rod dystrophy 1 (CORDX1). Identifiers: Orphanet 1872, MedGen C1844776, MONDO:0010566, OMIM 304020.

Submissions (6):

Labcorp Genetics (formerly Invitae), Labcorp
Classification: Pathogenic for Primary ciliary dyskinesia. Last evaluated: 2025-10-27. Review status: criteria provided, single submitter. Criteria: Invitae Variant Classification Sherloc (09022015). Collection method: clinical testing. Allele origin: germline.
Comment: This sequence change affects an acceptor splice site in intron 13 of the RPGR gene. It is expected to disrupt RNA splicing. Variants that disrupt the donor or acceptor splice site typically lead to a loss of protein function (PMID: 16199547), and loss-of-function variants in RPGR are known to be pathogenic (PMID: 16055928, 16969763). This variant is not present in population databases (gnomAD no frequency). Disruption of this splice site has been observed in individuals with X-linked retinitis pigmentosa (PMID: 10482958, 31630094; internal data). This variant is also known as IVS13-2, c.1632-2A>G. ClinVar contains an entry for this variant (Variation ID: 98749). Algorithms developed to predict the effect of sequence changes on RNA splicing suggest that this variant may disrupt the consensus splice site. For these reasons, this variant has been classified as Pathogenic.

CeGaT Center for Human Genetics Tuebingen
Classification: Pathogenic. Last evaluated: 2020-01-01. Review status: criteria provided, single submitter. Criteria: CeGaT Center For Human Genetics Tuebingen Variant Classification Criteria Version 2. Collection method: clinical testing. Allele origin: germline. Affected: yes. Observed: 1 variant allele.

Blueprint Genetics
Classification: Pathogenic for RPGR-related disorders. Last evaluated: 2019-12-20. Review status: criteria provided, single submitter. Criteria: ACMG Guidelines, 2015. Collection method: clinical testing. Allele origin: germline. Affected: yes. Observed: 3 variant alleles.

Clinical Genetics Laboratory, University Hospital Schleswig-Holstein
Classification: Pathogenic for X-linked cone-rod dystrophy 1. Last evaluated: 2022-06-02. Review status: no assertion criteria provided. Collection method: clinical testing. Allele origin: germline. Affected: yes. Not counted in ClinVar's aggregate classification.

Institute of Human Genetics, Univ. Regensburg, Univ. Regensburg
Classification: Pathogenic for Retinal dystrophy. Last evaluated: 2009-01-01. Review status: no assertion criteria provided. Criteria: ACMG Guidelines, 2015. Collection method: clinical testing. Allele origin: germline. Affected: yes. Not counted in ClinVar's aggregate classification.

Retina International
No classification provided. Review status: no classification provided. Collection method: not provided. Allele origin: not provided. Not counted in ClinVar's aggregate classification.

Literature cited by the submitters: PubMed 16199547 (cited by Labcorp Genetics (formerly Invitae), Labcorp); PubMed 16055928 (cited by Labcorp Genetics (formerly Invitae), Labcorp); PubMed 16969763 (cited by Labcorp Genetics (formerly Invitae), Labcorp); PubMed 10482958 (cited by Labcorp Genetics (formerly Invitae), Labcorp); PubMed 31630094 (cited by Labcorp Genetics (formerly Invitae), Labcorp).